The following is an entry in ClinVar:

NM_001099274.3(TINF2):c.1093A>G (p.Arg365Gly)

Gene: TINF2 (TERF1 interacting nuclear factor 2; minus strand). Cytogenetic location: 14q12.
Variant type: single nucleotide variant.
Coding change: c.1093A>G on transcript NM_001099274.3 (MANE Select); coding-DNA position 1093, A replaced by G.
Protein change: p.Arg365Gly; replaces arginine 365 with glycine.
Molecular consequence: missense variant. On other transcripts: 3 prime UTR variant (1).
Genome position (GRCh38, 1-based): chr14:24,240,299, T>C on the plus strand (A>G on the coding strand, the complement: TINF2 is on the minus strand). VCF-style: chr14-24240299-T-C. GRCh37 (hg19) VCF-style: chr14-24709505-T-C.
Other names: c.988A>G, p.Arg330Gly (NM_001363668.2); c.*116A>G (NM_012461.3); short protein forms R330G, R365G.
Identifiers: ClinVar variation 1337739 (VCV001337739.9), dbSNP rs374740382, ClinGen allele CA257880832.

ClinVar aggregate classification (germline): Uncertain significance. Review status: criteria provided, multiple submitters, no conflicts (2 of 4 stars). 2 submissions from 2 submitters: Uncertain significance (2). Last evaluated 2023-12-19.

Conditions:
Dyskeratosis congenita. Identifiers: Orphanet 1775, MedGen C0265965, MONDO:0015780.

Allele frequency attached by ClinVar (database versions not stated): gnomAD exomes below 0.00001 and 0.00001; ESP Exome Variant Server 0.00008.

Submissions (2):

Labcorp Genetics (formerly Invitae), Labcorp
Classification: Uncertain significance for Dyskeratosis congenita. Last evaluated: 2023-12-19. Review status: criteria provided, single submitter. Criteria: Invitae Variant Classification Sherloc (09022015). Collection method: clinical testing. Allele origin: germline.
Comment: This sequence change replaces arginine, which is basic and polar, with glycine, which is neutral and non-polar, at codon 365 of the TINF2 protein (p.Arg365Gly). This variant is present in population databases (rs374740382, gnomAD 0.0009%). This variant has not been reported in the literature in individuals affected with TINF2-related conditions. ClinVar contains an entry for this variant (Variation ID: 1337739). An algorithm developed to predict the effect of missense changes on protein structure and function (PolyPhen-2) suggests that this variant is likely to be tolerated. In summary, the available evidence is currently insufficient to determine the role of this variant in disease. Therefore, it has been classified as a Variant of Uncertain Significance.

Genetic Services Laboratory, University of Chicago
Classification: Uncertain significance. Last evaluated: 2020-09-22. Review status: criteria provided, single submitter. Criteria: ACMG Guidelines, 2015. Collection method: clinical testing. Allele origin: germline. Affected: no.
Comment: DNA sequence analysis of the TINF2 gene demonstrated a sequence change, c.1093A>G, in exon 7 that results in an amino acid change, p.Arg365Gly. This sequence change does not appear to have been previously described in patients with TINF2-related disorders and has been described in the gnomAD database in one individual with an overall population frequency of 0.0004% (dbSNP rs374740382). The p.Arg365Gly change affects a highly conserved amino acid residue located in a domain of the TINF2 protein that is not known to be functional. The p.Arg365Gly substitution appears to be benign using several in-silico pathogenicity prediction tools (SIFT, PolyPhen2, Align GVGD, REVEL). Due to these contrasting evidences and the lack of functional studies, the clinical significance of the p.Arg365Gly change remains unknown at this time.